The following is an entry in ClinVar:

NM_002249.6(KCNN3):c.946T>C (p.Ser316Pro)

Gene: KCNN3 (potassium calcium-activated channel subfamily N member 3; minus strand). Cytogenetic location: 1q21.3.
Variant type: single nucleotide variant.
Coding change: c.946T>C on transcript NM_002249.6 (MANE Select); coding-DNA position 946, T replaced by C.
Protein change: p.Ser316Pro; replaces serine 316 with proline.
Molecular consequence: missense variant.
Genome position (GRCh38, 1-based): chr1:154,822,172, A>G on the plus strand (T>C on the coding strand, the complement: KCNN3 is on the minus strand). VCF-style: chr1-154822172-A-G. GRCh37 (hg19) VCF-style: chr1-154794648-A-G.
Other names: c.7T>C, p.Ser3Pro (NM_001365838.1, NM_001365837.1); c.31T>C, p.Ser11Pro (NM_170782.3); c.946T>C, p.Ser316Pro (NM_001204087.2); short protein forms S11P, S316P, S3P.
Identifiers: ClinVar variation 1708605 (VCV001708605.2), dbSNP rs1557993123, ClinGen allele CA342627300.

ClinVar aggregate classification (germline): Uncertain significance (1 of 4 stars; one submission).

Submission:

GeneDx
Classification: Uncertain significance. Last evaluated: 2022-04-04. Review status: criteria provided, single submitter. Criteria: GeneDx Variant Classification Process June 2021. Collection method: clinical testing. Allele origin: germline. Affected: yes.
Comment: Not observed at significant frequency in large population cohorts (gnomAD); In silico analysis supports that this missense variant has a deleterious effect on protein structure/function; Has not been previously published as pathogenic or benign to our knowledge